The following is an entry in ClinVar:

ClinVar aggregate classification (germline): Uncertain significance. Review status: criteria provided, multiple submitters, no conflicts (2 of 4 stars). 2 submissions from 2 submitters: Uncertain significance (2). Last evaluated 2024-09-21.

Conditions:
Focal segmental glomerulosclerosis 6 (FSGS6). Identifiers: Orphanet 656, MedGen C3279905, MONDO:0013589, OMIM 614131.

gnomAD v4.1: 2 of 1,613,668 alleles (0.00012%); highest among the groups gnomAD compares: Admixed American, 0.0033%; no homozygotes.

Submissions (2):

Labcorp Genetics (formerly Invitae), Labcorp
Classification: Uncertain significance. Last evaluated: 2024-09-21. Review status: criteria provided, single submitter. Criteria: Invitae Variant Classification Sherloc (09022015). Collection method: clinical testing. Allele origin: germline.
Comment: This sequence change replaces glutamic acid, which is acidic and polar, with glutamine, which is neutral and polar, at codon 838 of the MYO1E protein (p.Glu838Gln). This variant is present in population databases (no rsID available, gnomAD 0.003%). This variant has not been reported in the literature in individuals affected with MYO1E-related conditions. Invitae Evidence Modeling of protein sequence and biophysical properties (such as structural, functional, and spatial information, amino acid conservation, physicochemical variation, residue mobility, and thermodynamic stability) indicates that this missense variant is not expected to disrupt MYO1E protein function with a negative predictive value of 80%. In summary, the available evidence is currently insufficient to determine the role of this variant in disease. Therefore, it has been classified as a Variant of Uncertain Significance.

Fulgent Genetics
Classification: Uncertain significance for Focal segmental glomerulosclerosis 6. Last evaluated: 2024-04-10. Review status: criteria provided, single submitter. Criteria: ACMG Guidelines, 2015. Collection method: clinical testing. Allele origin: germline.

NM_004998.4(MYO1E):c.2512G>C (p.Glu838Gln)

Gene: MYO1E (myosin IE; minus strand). Cytogenetic location: 15q22.2.
Variant type: single nucleotide variant.
Coding change: c.2512G>C on transcript NM_004998.4 (MANE Select); coding-DNA position 2512, G replaced by C.
Protein change: p.Glu838Gln; replaces glutamic acid 838 with glutamine.
Molecular consequence: missense variant.
Genome position (GRCh38, 1-based): chr15:59,163,272, C>G on the plus strand (G>C on the coding strand, the complement: MYO1E is on the minus strand). VCF-style: chr15-59163272-C-G. GRCh37 (hg19) VCF-style: chr15-59455471-C-G.
Other names: short protein forms E838Q.
Identifiers: ClinVar variation 3577518 (VCV003577518.3).